The following is an entry in ClinVar:

ClinVar aggregate classification (germline): Uncertain significance (1 of 4 stars; one submission).

gnomAD v4.1: 3 of 1,613,282 alleles (0.00019%); highest among the groups gnomAD compares: Non-Finnish European, 0.00025%; no homozygotes.

Submission:

Women's Health and Genetics/Laboratory Corporation of America, LabCorp
Classification: Uncertain significance. Last evaluated: 2025-05-22. Review status: criteria provided, single submitter. Criteria: LabCorp Variant Classification Summary - May 2015. Collection method: clinical testing. Allele origin: germline.
Comment: Variant summary: GALC c.1138C>T (p.Leu380Phe) results in a non-conservative amino acid change in the encoded protein sequence. Algorithms developed to predict the effect of missense changes on protein structure and function all suggest that this variant is likely to be disruptive. The variant was absent in 249048 control chromosomes (gnomaD). The available data on variant occurrences in the general population are insufficient to allow any conclusion about variant significance. c.1138C>T has been observed in at least an individual affected with Krabbe Disease who also diagnosed with Tangier disease (Furuta_2024). This report does not do not provide unequivocal conclusions about association of the variant with Krabbe Disease. To our knowledge, no experimental evidence demonstrating an impact on protein function has been reported. The following publications have been ascertained in the context of this evaluation (PMID: 38538338, 7581365). No submitters have cited clinical-significance assessments for this variant to ClinVar. Based on the evidence outlined above, the variant was classified as uncertain significance.

Literature cited by the submitters: PubMed 7581365; PubMed 38538338.

NM_000153.4(GALC):c.1138C>T (p.Leu380Phe)

Gene: GALC (galactosylceramidase; minus strand). Cytogenetic location: 14q31.3.
Variant type: single nucleotide variant.
Coding change: c.1138C>T on transcript NM_000153.4 (MANE Select); coding-DNA position 1138, C replaced by T.
Protein change: p.Leu380Phe; replaces leucine 380 with phenylalanine.
Molecular consequence: missense variant. On other transcripts: non-coding transcript variant (1).
Genome position (GRCh38, 1-based): chr14:87,963,407, G>A on the plus strand (C>T on the coding strand, the complement: GALC is on the minus strand). VCF-style: chr14-87963407-G-A. GRCh37 (hg19) VCF-style: chr14-88429751-G-A.
Other names: c.1069C>T, p.Leu357Phe (NM_001201401.2); c.1060C>T, p.Leu354Phe (NM_001201402.2); c.970C>T, p.Leu324Phe (NM_001424071.1, NM_001424072.1, NM_001424073.1); c.790C>T, p.Leu264Phe (NM_001424074.1, NM_001424075.1); c.505C>T, p.Leu169Phe (NM_001424076.1, NM_001424077.1); short protein forms L169F, L264F, L324F, L354F, L357F, L380F.
Identifiers: ClinVar variation 3902742 (VCV003902742.1).
Genomic context (GRCh38, chr14:87,963,407, plus strand): 5'-GAAGTGAGTTAATCCAATAGCAACAACAAAAGTTTACCATGGTTTCAATGATGATGGTGA[G>A]GTTCCCTAAGCCATCAGTCAGAGCTACGTAGCTTCCTCCTTTCTCTAAATGGCCAACTGT-3'
Protein context (NP_000144.2, residues 370-390): YVALTDGLGN[Leu380Phe]TIIIETMSHK